The following is an entry in ClinVar:

NM_006759.4(UGP2):c.1299C>T (p.Gly433=)

Gene: UGP2 (UDP-glucose pyrophosphorylase 2; plus strand). Cytogenetic location: 2p15.
Variant type: single nucleotide variant.
Coding change: c.1299C>T on transcript NM_006759.4 (MANE Select); coding-DNA position 1299, C replaced by T.
Protein change: p.Gly433=; no amino-acid change (glycine 433 retained).
Molecular consequence: synonymous variant.
Genome position (GRCh38, 1-based): chr2:63,887,629, C>T. VCF-style: chr2-63887629-C-T. GRCh37 (hg19) VCF-style: chr2-64114763-C-T.
Other names: NC_000002.11:g.64114763C>T; c.1266C>T, p.Gly422= (NM_001001521.2, NM_001377524.1, NM_001377525.1); c.939C>T, p.Gly313= (NM_001377526.1, NM_001377527.1, NM_001377528.1 and 1 more transcripts).
Identifiers: ClinVar variation 3054084 (VCV003054084.3), dbSNP rs199713369, ClinGen allele CA1683413.

ClinVar aggregate classification (germline): Likely benign (0 of 4 stars; one submission).

Conditions:
UGP2-related disorder. Also called: UGP2-related condition.

Allele frequency attached by ClinVar (database versions not stated): TOPMed 0.00006; gnomAD 0.00007; ExAC 0.00020; gnomAD exomes 0.00020; 1000 Genomes Project 30x 0.00031; 1000 Genomes Project 0.00040.
gnomAD v4.1: 300 of 1,614,060 alleles (0.019%); highest among the groups gnomAD compares: East Asian, 0.65%; 2 homozygotes.

Submissions (2):

PreventionGenetics, part of Exact Sciences
Classification: Likely benign for UGP2-related condition. Last evaluated: 2022-03-31. Review status: no assertion criteria provided. Collection method: clinical testing. Allele origin: germline.
Comment: This variant is classified as likely benign based on ACMG/AMP sequence variant interpretation guidelines (Richards et al. 2015 PMID: 25741868, with internal and published modifications).

Dr. Peter K. Rogan Lab, Western University
No classification provided (evidence only). Condition: Gastric cancer. Review status: no classification provided. Collection method: in vitro. Allele origin: not applicable. Functional consequence: retained intron. Not counted in ClinVar's aggregate classification.